The following is an entry in ClinVar:

ClinVar aggregate classification (germline): Uncertain significance (1 of 4 stars; one submission).

Conditions:
Inborn genetic diseases. Identifiers: MedGen C0950123, MeSH D030342.

Allele frequency attached by ClinVar (database versions not stated): gnomAD exomes below 0.00001; ExAC 0.00001.
gnomAD v4.1: 3 of 1,614,210 alleles (0.00019%); highest among the groups gnomAD compares: Non-Finnish European, 0.00025%; no homozygotes.

Submission:

Ambry Genetics
Classification: Uncertain significance for Inborn genetic diseases. Last evaluated: 2023-09-28. Review status: criteria provided, single submitter. Criteria: Ambry Variant Classification Scheme 2023. Collection method: clinical testing. Allele origin: germline.
Comment: The p.S220C variant (also known as c.659C>G), located in coding exon 6 of the EPAS1 gene, results from a C to G substitution at nucleotide position 659. The serine at codon 220 is replaced by cysteine, an amino acid with dissimilar properties. This amino acid position is conserved. In addition, this alteration is predicted to be tolerated by in silico analysis. Since supporting evidence is limited at this time, the clinical significance of this alteration remains unclear.

NM_001430.5(EPAS1):c.659C>G (p.Ser220Cys)

Genes: EPAS1 (endothelial PAS domain protein 1; plus strand), LOC126806210 (BRD4-independent group 4 enhancer GRCh37_chr2:46587586-46588785; plus strand). Cytogenetic location: 2p21.
Variant type: single nucleotide variant.
Coding change: c.659C>G on transcript NM_001430.5 (MANE Select); coding-DNA position 659, C replaced by G.
Protein change: p.Ser220Cys; replaces serine 220 with cysteine.
Molecular consequence: missense variant.
Genome position (GRCh38, 1-based): chr2:46,360,970, C>G. VCF-style: chr2-46360970-C-G. GRCh37 (hg19) VCF-style: chr2-46588109-C-G.
Other names: short protein forms S220C.
Identifiers: ClinVar variation 3221666 (VCV003221666.1), dbSNP rs767633468, ClinGen allele CA1644722.